The following is an entry in ClinVar:

NM_000044.6(AR):c.1888C>G (p.Arg630Gly)

Gene: AR (androgen receptor; plus strand). Cytogenetic location: Xq12.
Variant type: single nucleotide variant.
Coding change: c.1888C>G on transcript NM_000044.6 (MANE Select); coding-DNA position 1888, C replaced by G.
Protein change: p.Arg630Gly; replaces arginine 630 with glycine.
Molecular consequence: missense variant.
Genome position (GRCh38, 1-based): chrX:67,711,404, C>G. VCF-style: chrX-67711404-C-G. GRCh37 (hg19) VCF-style: chrX-66931246-C-G.
Other names: c.292C>G, p.Arg98Gly (NM_001011645.3); short protein forms R630G, R98G.
Identifiers: ClinVar variation 5002309 (VCV005002309.1).

ClinVar aggregate classification (germline): Uncertain significance (1 of 4 stars; one submission).

Conditions:
AR-related disorder. Also called: AR-related condition.

Submission:

PreventionGenetics, part of Exact Sciences
Classification: Uncertain significance for AR-related condition. Last evaluated: 2024-12-10. Review status: criteria provided, single submitter. Criteria: ACMG Guidelines, 2015. Collection method: clinical testing. Allele origin: germline.
Comment: The AR c.1888C>G variant is predicted to result in the amino acid substitution p.Arg630Gly. To our knowledge, this variant has not been reported in the literature or in a large population database (gnomAD), indicating this variant is rare. An alternate nucleotide changing affecting the same amino acid (p.Arg630Trp) has been reported in individuals with partial androgen insensitivity syndrome and azoospermia (Deeb et al. 2005. PubMed ID: 15963062; Mou and Gui. 2016. PubMed ID: 27498682). At this time, the clinical significance of this variant is uncertain due to the absence of conclusive functional and genetic evidence.